The following is an entry in ClinVar:

ClinVar aggregate classification (germline): Uncertain significance. Review status: criteria provided, multiple submitters, no conflicts (2 of 4 stars). 4 submissions from 4 submitters: Uncertain significance (4). Last evaluated 2025-07-14.

Conditions:
Intellectual developmental disorder, autosomal dominant 43. Also called: Intellectual disability, autosomal dominant 43. Identifiers: MedGen C4707429, MONDO:0014858, OMIM 616977.
Inborn genetic diseases. Identifiers: MedGen C0950123, MeSH D030342.

Allele frequency attached by ClinVar (database versions not stated): TOPMed 0.00001; gnomAD 0.00002; ExAC 0.00001; gnomAD exomes 0.00001.
gnomAD v4.1: 19 of 1,614,120 alleles (0.0012%); highest among the groups gnomAD compares: Non-Finnish European, 0.0016%; no homozygotes.

Submissions (4):

Labcorp Genetics (formerly Invitae), Labcorp
Classification: Uncertain significance. Last evaluated: 2025-07-14. Review status: criteria provided, single submitter. Criteria: Invitae Variant Classification Sherloc (09022015). Collection method: clinical testing. Allele origin: germline.
Comment: This sequence change replaces tyrosine, which is neutral and polar, with cysteine, which is neutral and slightly polar, at codon 638 of the HIVEP2 protein (p.Tyr638Cys). This variant is present in population databases (rs745452954, gnomAD 0.003%). This variant has not been reported in the literature in individuals affected with HIVEP2-related conditions. ClinVar contains an entry for this variant (Variation ID: 1031080). Invitae Evidence Modeling of protein sequence and biophysical properties (such as structural, functional, and spatial information, amino acid conservation, physicochemical variation, residue mobility, and thermodynamic stability) indicates that this missense variant is not expected to disrupt HIVEP2 protein function with a negative predictive value of 80%. In summary, the available evidence is currently insufficient to determine the role of this variant in disease. Therefore, it has been classified as a Variant of Uncertain Significance.

Ambry Genetics
Classification: Uncertain significance for Inborn genetic diseases. Last evaluated: 2025-03-27. Review status: criteria provided, single submitter. Criteria: Ambry Variant Classification Scheme 2023. Collection method: clinical testing. Allele origin: germline.

Revvity Omics, Revvity
Classification: Uncertain significance for Intellectual developmental disorder, autosomal dominant 43. Last evaluated: 2021-04-19. Review status: criteria provided, single submitter. Criteria: ACMG Guidelines, 2015. Collection method: clinical testing. Allele origin: germline.

Baylor Genetics
Classification: Uncertain significance for Intellectual developmental disorder, autosomal dominant 43. Last evaluated: 2020-03-04. Review status: criteria provided, single submitter. Criteria: ACMG Guidelines, 2015. Collection method: clinical testing. Allele origin: unknown. Affected: yes.
Comment: This variant was determined to be of uncertain significance according to ACMG Guidelines, 2015 [PMID:25741868].

NM_006734.4(HIVEP2):c.1913A>G (p.Tyr638Cys)

Gene: HIVEP2 (HIVEP zinc finger 2; minus strand). Cytogenetic location: 6q24.2.
Variant type: single nucleotide variant.
Coding change: c.1913A>G on transcript NM_006734.4 (MANE Select); coding-DNA position 1913, A replaced by G.
Protein change: p.Tyr638Cys; replaces tyrosine 638 with cysteine.
Molecular consequence: missense variant.
Genome position (GRCh38, 1-based): chr6:142,772,826, T>C on the plus strand (A>G on the coding strand, the complement: HIVEP2 is on the minus strand). VCF-style: chr6-142772826-T-C. GRCh37 (hg19) VCF-style: chr6-143093963-T-C.
Other names: short protein forms Y638C.
Identifiers: ClinVar variation 1031080 (VCV001031080.6), dbSNP rs745452954, ClinGen allele CA4028514.